The following is an entry in ClinVar:

ClinVar aggregate classification (germline): Uncertain significance (1 of 4 stars; one submission).

Submission:

Labcorp Genetics (formerly Invitae), Labcorp
Classification: Uncertain significance. Last evaluated: 2023-11-28. Review status: criteria provided, single submitter. Criteria: Invitae Variant Classification Sherloc (09022015). Collection method: clinical testing. Allele origin: germline.
Comment: This sequence change replaces phenylalanine, which is neutral and non-polar, with cysteine, which is neutral and slightly polar, at codon 340 of the C8B protein (p.Phe340Cys). This variant is not present in population databases (gnomAD no frequency). This variant has not been reported in the literature in individuals affected with C8B-related conditions. ClinVar contains an entry for this variant (Variation ID: 1358190). An algorithm developed to predict the effect of missense changes on protein structure and function (PolyPhen-2) suggests that this variant is likely to be disruptive. In summary, the available evidence is currently insufficient to determine the role of this variant in disease. Therefore, it has been classified as a Variant of Uncertain Significance.

NM_000066.4(C8B):c.1019T>G (p.Phe340Cys)

Gene: C8B (complement C8 beta chain; minus strand). Cytogenetic location: 1p32.2.
Variant type: single nucleotide variant.
Coding change: c.1019T>G on transcript NM_000066.4 (MANE Select); coding-DNA position 1019, T replaced by G.
Protein change: p.Phe340Cys; replaces phenylalanine 340 with cysteine.
Molecular consequence: missense variant.
Genome position (GRCh38, 1-based): chr1:56,945,907, A>C on the plus strand (T>G on the coding strand, the complement: C8B is on the minus strand). VCF-style: chr1-56945907-A-C. GRCh37 (hg19) VCF-style: chr1-57411580-A-C.
Other names: c.863T>G, p.Phe288Cys (NM_001278543.2); c.833T>G, p.Phe278Cys (NM_001278544.2); short protein forms F278C, F288C, F340C.
Identifiers: ClinVar variation 1358190 (VCV001358190.8), dbSNP rs2101408311, ClinGen allele CA340527642.